The following is an entry in ClinVar:

ClinVar aggregate classification (germline): Uncertain significance (1 of 4 stars; one submission).

Submission:

Labcorp Genetics (formerly Invitae), Labcorp
Classification: Uncertain significance. Last evaluated: 2024-10-07. Review status: criteria provided, single submitter. Criteria: Invitae Variant Classification Sherloc (09022015). Collection method: clinical testing. Allele origin: germline.
Comment: This sequence change replaces asparagine, which is neutral and polar, with lysine, which is basic and polar, at codon 293 of the BMP1 protein (p.Asn293Lys). This variant is not present in population databases (gnomAD no frequency). This variant has not been reported in the literature in individuals affected with BMP1-related conditions. Invitae Evidence Modeling of protein sequence and biophysical properties (such as structural, functional, and spatial information, amino acid conservation, physicochemical variation, residue mobility, and thermodynamic stability) indicates that this missense variant is not expected to disrupt BMP1 protein function with a negative predictive value of 80%. In summary, the available evidence is currently insufficient to determine the role of this variant in disease. Therefore, it has been classified as a Variant of Uncertain Significance.

NM_006129.5(BMP1):c.879C>A (p.Asn293Lys)

Gene: BMP1 (bone morphogenetic protein 1; plus strand). Cytogenetic location: 8p21.3.
Variant type: single nucleotide variant.
Coding change: c.879C>A on transcript NM_006129.5 (MANE Select); coding-DNA position 879, C replaced by A.
Protein change: p.Asn293Lys; replaces asparagine 293 with lysine.
Molecular consequence: missense variant. On other transcripts: non-coding transcript variant (2).
Genome position (GRCh38, 1-based): chr8:22,179,747, C>A. VCF-style: chr8-22179747-C-A. GRCh37 (hg19) VCF-style: chr8-22037260-C-A.
Other names: c.879C>A, p.Asn293Lys (NM_001199.4); short protein forms N293K.
Identifiers: ClinVar variation 3004491 (VCV003004491.3), dbSNP rs35120584, ClinGen allele CA370543567.
Genomic context (GRCh38, chr8:22,179,747, plus strand): 5'-TTTCTCCCTCTTCTTCAGGGGCATCTTCCTGGATACCATTGTCCCCAAGTATGAGGTGAA[C>A]GGGGTGAAACCTCCCATTGGCCAAAGGACACGGCTCAGCAAGGGGGACATTGCCCAAGCC-3'
Protein context (NP_006120.1, residues 283-303): LDTIVPKYEV[Asn293Lys]GVKPPIGQRT